The following is an entry in ClinVar:

NM_000038.6(APC):c.2842T>C (p.Ser948Pro)

Gene: APC (APC regulator of Wnt signaling pathway; plus strand). Cytogenetic location: 5q22.2.
Variant type: single nucleotide variant.
Coding change: c.2842T>C on transcript NM_000038.6 (MANE Select); coding-DNA position 2842, T replaced by C.
Protein change: p.Ser948Pro; replaces serine 948 with proline.
Molecular consequence: missense variant.
Genome position (GRCh38, 1-based): chr5:112,838,436, T>C. VCF-style: chr5-112838436-T-C. GRCh37 (hg19) VCF-style: chr5-112174133-T-C.
Other names: c.2842T>C, p.Ser948Pro (NM_001127510.3, NM_001354895.2); c.2788T>C, p.Ser930Pro (NM_001127511.3); c.2896T>C, p.Ser966Pro (NM_001354896.2); c.2872T>C, p.Ser958Pro (NM_001354897.2); c.2767T>C, p.Ser923Pro (NM_001354898.2); c.2758T>C, p.Ser920Pro (NM_001354899.2); c.2719T>C, p.Ser907Pro (NM_001354900.2); c.2665T>C, p.Ser889Pro (NM_001354901.2); and 5 more; short protein forms S930P, S948P, S822P, S923P, S958P, S920P, S847P, S857P.
Identifiers: ClinVar variation 537427 (VCV000537427.11), dbSNP rs1554084533, ClinGen allele CA16027530.

ClinVar aggregate classification (germline): Conflicting classifications of pathogenicity. Review status: criteria provided, conflicting classifications (1 of 4 stars). 2 submissions from 2 submitters: Uncertain significance (1); Likely benign (1). Last evaluated 2024-07-26.

Conditions:
Hereditary cancer-predisposing syndrome. Also called: Tumor predisposition; Hereditary Cancer Syndrome; Hereditary neoplastic syndrome; Neoplastic Syndromes, Hereditary. Identifiers: Orphanet 140162, MedGen C0027672, MeSH D009386, MONDO:0015356.
Familial adenomatous polyposis 1 (FAP1). Also called: FAMILIAL ADENOMATOUS POLYPOSIS 1, ATTENUATED; POLYPOSIS, ADENOMATOUS INTESTINAL. Identifiers: MedGen C2713442, MONDO:0021056, OMIM 175100. Disease mechanism: loss of function.

Submissions (2):

Ambry Genetics
Classification: Likely benign for Hereditary cancer-predisposing syndrome. Last evaluated: 2024-07-26. Review status: criteria provided, single submitter. Criteria: Ambry Variant Classification Scheme 2023. Collection method: clinical testing. Allele origin: germline.

Labcorp Genetics (formerly Invitae), Labcorp
Classification: Uncertain significance for Familial adenomatous polyposis 1. Last evaluated: 2023-10-16. Review status: criteria provided, single submitter. Criteria: Invitae Variant Classification Sherloc (09022015). Collection method: clinical testing. Allele origin: germline.
Comment: This sequence change replaces serine, which is neutral and polar, with proline, which is neutral and non-polar, at codon 948 of the APC protein (p.Ser948Pro). This variant is not present in population databases (gnomAD no frequency). This variant has not been reported in the literature in individuals affected with APC-related conditions. ClinVar contains an entry for this variant (Variation ID: 537427). Advanced modeling of protein sequence and biophysical properties (such as structural, functional, and spatial information, amino acid conservation, physicochemical variation, residue mobility, and thermodynamic stability) performed at Invitae indicates that this missense variant is not expected to disrupt APC protein function. In summary, the available evidence is currently insufficient to determine the role of this variant in disease. Therefore, it has been classified as a Variant of Uncertain Significance.